The following is an entry in ClinVar:

ClinVar aggregate classification (germline): Pathogenic. Review status: reviewed by expert panel (3 of 4 stars). 4 submissions from 4 submitters: Pathogenic (1). 3 of the submissions do not count toward it. Last evaluated 2016-04-22.

Conditions:
Breast-ovarian cancer, familial, susceptibility to, 1 (BROVCA1). Also called: OVARIAN CANCER, SUSCEPTIBILITY TO; BRCA1 Hereditary Breast and Ovarian Cancer. Identifiers: Orphanet 145, MedGen C2676676, MONDO:0011450, OMIM 604370. Disease mechanism: loss of function.

Submissions (4):

Evidence-based Network for the Interpretation of Germline Mutant Alleles (ENIGMA)
Classification: Pathogenic for Breast-ovarian cancer, familial, susceptibility to, 1. Last evaluated: 2016-04-22. Review status: reviewed by expert panel. Criteria: ENIGMA BRCA1/2 Classification Criteria (2015). Collection method: curation. Allele origin: germline.
Comment: Variant allele predicted to encode a truncated non-functional protein.

Consortium of Investigators of Modifiers of BRCA1/2 (CIMBA), c/o University of Cambridge
Classification: Pathogenic for Breast-ovarian cancer, familial, susceptibility to, 1. Last evaluated: 2015-10-02. Review status: criteria provided, single submitter. Criteria: CIMBA Mutation Classification guidelines May 2016. Collection method: clinical testing. Allele origin: germline. Not counted in ClinVar's aggregate classification.

KCCC/NGS Laboratory, Kuwait Cancer Control Center
Classification: Pathogenic for Breast-ovarian cancer, familial, susceptibility to, 1. Last evaluated: 2023-05-05. Review status: no assertion criteria provided. Collection method: clinical testing. Allele origin: germline. Affected: yes. Not counted in ClinVar's aggregate classification.
Comment: A germline pathogenic mutation was detected in this specimen. This mutation is listed in ClinVar and BRCA Exchange database as pathogenic.

Breast Cancer Information Core (BIC) (BRCA1)
Classification: Pathogenic for Breast-ovarian cancer, familial 1. Last evaluated: 1997-10-24. Review status: no assertion criteria provided. Collection method: clinical testing. Allele origin: germline. Affected: yes. Observed: 8 variant alleles. Not counted in ClinVar's aggregate classification.

Literature cited by the submitters: PubMed 20104584 (cited by KCCC/NGS Laboratory, Kuwait Cancer Control Center).

NM_007294.4(BRCA1):c.3339T>G (p.Tyr1113Ter)

Genes: BRCA1 (BRCA1 DNA repair associated; minus strand), LOC126862571 (BRD4-independent group 4 enhancer GRCh37_chr17:41243136-41244335; plus strand). Cytogenetic location: 17q21.31.
Variant type: single nucleotide variant.
Coding change: c.3339T>G on transcript NM_007294.4 (MANE Select); coding-DNA position 3339, T replaced by G.
Protein change: p.Tyr1113Ter; replaces tyrosine 1113 with a stop codon.
Molecular consequence: nonsense. On other transcripts: intron variant (137).
Genome position (GRCh38, 1-based): chr17:43,092,192, A>C on the plus strand (T>G on the coding strand, the complement: BRCA1 is on the minus strand). VCF-style: chr17-43092192-A-C. GRCh37 (hg19) VCF-style: chr17-41244209-A-C.
Other names: 3458T>G; c.3006T>G, p.Tyr1002Ter (NM_001407948.1, NM_001407949.1, NM_001407950.1 and 6 more transcripts); c.3003T>G, p.Tyr1001Ter (NM_001407954.1, NM_001407955.1, NM_001407956.1 and 1 more transcripts); c.2958T>G, p.Tyr986Ter (NM_001407959.1, NM_001407960.1, NM_001407963.1); c.2955T>G, p.Tyr985Ter (NM_001407962.1); c.3195T>G, p.Tyr1065Ter (NM_001407964.1, NM_001407740.1, NM_001407741.1 and 20 more transcripts); c.2835T>G, p.Tyr945Ter (NM_001407965.1); c.2451T>G, p.Tyr817Ter (NM_001407966.1, NM_001407967.1); and 43 more; short protein forms Y1113*, Y1066*, Y1001*, Y1046*, Y1086*, Y1112*, Y1024*, Y1042*.
Identifiers: ClinVar variation 54848 (VCV000054848.7), dbSNP rs80357421, ClinGen allele CA002162.